The following is an entry in ClinVar:

NM_017780.4(CHD7):c.583C>T (p.Arg195Cys)

Gene: CHD7 (chromodomain helicase DNA binding protein 7; plus strand). Cytogenetic location: 8q12.2.
Variant type: single nucleotide variant.
Coding change: c.583C>T on transcript NM_017780.4 (MANE Select); coding-DNA position 583, C replaced by T.
Protein change: p.Arg195Cys; replaces arginine 195 with cysteine.
Molecular consequence: missense variant.
Genome position (GRCh38, 1-based): chr8:60,742,015, C>T. VCF-style: chr8-60742015-C-T. GRCh37 (hg19) VCF-style: chr8-61654574-C-T.
Other names: c.583C>T, p.Arg195Cys (NM_001316690.1); short protein forms R195C.
Identifiers: ClinVar variation 588893 (VCV000588893.51), dbSNP rs773990845, ClinGen allele CA4759349.

ClinVar aggregate classification (germline): Conflicting classifications of pathogenicity. Review status: criteria provided, conflicting classifications (1 of 4 stars). 2 submissions from 2 submitters: Uncertain significance (1); Benign (1). Last evaluated 2022-08-15.

Conditions:
Inborn genetic diseases. Identifiers: MedGen C0950123, MeSH D030342.
CHARGE syndrome (CHARGE). Also called: Coloboma, heart anomaly, choanal atresia, retardation, genital and ear anomalies; CHARGE association; Hall-Hittner syndrome; Hittner Hirsch Kreh syndrome; CHARGE ASSOCIATION--COLOBOMA, HEART ANOMALY, CHOANAL ATRESIA, RETARDATION, GENITAL AND EAR ANOMALIES. Identifiers: Orphanet 138, MedGen C0265354, MONDO:0008965.

Allele frequency attached by ClinVar (database versions not stated): gnomAD 0.00001; gnomAD exomes 0.00002 and 0.00005; TOPMed 0.00002; ExAC 0.00006.
gnomAD v4.1: 26 of 1,613,662 alleles (0.0016%); highest among the groups gnomAD compares: East Asian, 0.025%; no homozygotes.

Submissions (2):

Labcorp Genetics (formerly Invitae), Labcorp
Classification: Benign for CHARGE syndrome. Last evaluated: 2022-08-15. Review status: criteria provided, single submitter. Criteria: Invitae Variant Classification Sherloc (09022015). Collection method: clinical testing. Allele origin: germline.

Ambry Genetics
Classification: Uncertain significance for Inborn genetic diseases. Last evaluated: 2017-03-15. Review status: criteria provided, single submitter. Criteria: Ambry Variant Classification Scheme 2023. Collection method: clinical testing. Allele origin: germline.
Comment: The p.R195C variant (also known as c.583C>T), located in coding exon 1 of the CHD7 gene, results from a C to T substitution at nucleotide position 583. The arginine at codon 195 is replaced by cysteine, an amino acid with highly dissimilar properties. This amino acid position is highly conserved in available vertebrate species. In addition, the in silico prediction for this alteration is inconclusive. Since supporting evidence is limited at this time, the clinical significance of this alteration remains unclear.